The following is an entry in ClinVar:

ClinVar aggregate classification (germline): Likely pathogenic (0 of 4 stars; one submission).

Conditions:
KAT6B-related disorder. Also called: KAT6B-related disorders; KAT6B-related condition.

Submission:

PreventionGenetics, part of Exact Sciences
Classification: Likely pathogenic for KAT6B-related condition. Last evaluated: 2024-08-05. Review status: no assertion criteria provided. Collection method: clinical testing. Allele origin: germline.
Comment: The KAT6B c.5646dupC variant is predicted to result in a frameshift and premature protein termination (p.Asn1883Glnfs*163). To our knowledge, this variant has not been reported in the literature or in a large population database, indicating this variant is rare. Frameshift variants in KAT6B are expected to be pathogenic. This variant is interpreted as likely pathogenic.

NM_012330.4(KAT6B):c.5646dup (p.Asn1883fs)

Gene: KAT6B (lysine acetyltransferase 6B; plus strand). Cytogenetic location: 10q22.2.
Variant type: Duplication.
Coding change: c.5646dup on transcript NM_012330.4 (MANE Select); coding-DNA position 5646, one base duplicated (C; older notation c.5646dupC).
Protein change: p.Asn1883fs; shifts the reading frame from asparagine 1883.
Molecular consequence: frameshift variant.
Genome position (GRCh38, 1-based): chr10:75,030,470, C duplicated; the last of 6 consecutive C bases (chr10:75,030,465-75,030,470); duplicating any one gives the same sequence. VCF-style (leftmost placement, unchanged base first): chr10-75030464-A-AC. GRCh37 (hg19) VCF-style: chr10-76790222-A-AC.
Other names: c.5097dup, p.Asn1700fs (NM_001256468.2, NM_001370138.1); c.4770dup, p.Asn1591fs (NM_001256469.2, NM_001370139.1, NM_001370140.1 and 2 more transcripts); c.4608dup, p.Asn1537fs (NM_001370132.1); c.3957dup, p.Asn1320fs (NM_001370133.1); c.3561dup, p.Asn1188fs (NM_001370134.1); c.3303dup, p.Asn1102fs (NM_001370135.1); c.5646dup, p.Asn1883fs (NM_001370136.1, NM_001370137.1); c.4581dup, p.Asn1528fs (NM_001370143.1, NM_001370144.1); short protein forms N1102fs, N1188fs, N1320fs, N1528fs, N1537fs, N1591fs, N1700fs, N1883fs.
Identifiers: ClinVar variation 3345206 (VCV003345206.1).